The following is an entry in ClinVar:

NM_003482.4(KMT2D):c.4271G>C (p.Cys1424Ser)

Gene: KMT2D (lysine methyltransferase 2D; minus strand). Cytogenetic location: 12q13.12.
Variant type: single nucleotide variant.
Coding change: c.4271G>C on transcript NM_003482.4 (MANE Select); coding-DNA position 4271, G replaced by C.
Protein change: p.Cys1424Ser; replaces cysteine 1424 with serine.
Molecular consequence: missense variant.
Genome position (GRCh38, 1-based): chr12:49,046,756, C>G on the plus strand (G>C on the coding strand, the complement: KMT2D is on the minus strand). VCF-style: chr12-49046756-C-G. GRCh37 (hg19) VCF-style: chr12-49440539-C-G.
Other names: short protein forms C1424S.
Identifiers: ClinVar variation 379810 (VCV000379810.2), dbSNP rs1057520740, ClinGen allele CA16606294.

ClinVar aggregate classification (germline): Pathogenic (1 of 4 stars; one submission).

Submission:

GeneDx
Classification: Pathogenic. Last evaluated: 2015-05-28. Review status: criteria provided, single submitter. Criteria: GeneDx Variant Classification (06012015). Collection method: clinical testing. Allele origin: germline. Affected: yes.
Comment: The C1424S variant in the KMT2D gene has not been reported previously as a pathogenic variantnor as a benign polymorphism, to our knowledge. However, another variant at this same codon (C1424F)has been reported in the literature as de novo in a patient with Kabuki syndrome (Cheon et al.,2014). Additionally, another missense variant in an adjacent residue (R1423C) has been reported in theHuman Gene Mutation Database in association with Kabuki syndrome (Stenson et al., 2014), supportingthe functional importance of this region of the protein. The C1424S substitution was not observed inapproximately 6,200 individuals of European and African American ancestry in the NHLBI ExomeSequencing Project, indicating it is not a common benign variant in these populations. The C1424S variant is a non-conservative amino acid substitution, which is likely to impact secondary protein structure as theseresidues differ in polarity, charge, size and/or other properties. This substitution occurs at a position that ishighly conserved across species. In silico analysis predicts this variant is probably damaging to the proteinstructure/function. Therefore, we interpret C1424S as a pathogenic variant.